The following is an entry in ClinVar:

NM_003327.4(TNFRSF4):c.316G>T (p.Val106Phe)

Gene: TNFRSF4 (TNF receptor superfamily member 4; minus strand). Cytogenetic location: 1p36.33.
Variant type: single nucleotide variant.
Coding change: c.316G>T on transcript NM_003327.4 (MANE Select); coding-DNA position 316, G replaced by T.
Protein change: p.Val106Phe; replaces valine 106 with phenylalanine.
Molecular consequence: missense variant.
Genome position (GRCh38, 1-based): chr1:1,213,046, C>A on the plus strand (G>T on the coding strand, the complement: TNFRSF4 is on the minus strand). VCF-style: chr1-1213046-C-A. GRCh37 (hg19) VCF-style: chr1-1148426-C-A.
Other names: c.316G>T, p.Val106Phe (NM_001410709.1); short protein forms V106F.
Identifiers: ClinVar variation 4708900 (VCV004708900.1).

ClinVar aggregate classification (germline): Uncertain significance (1 of 4 stars; one submission).

Conditions:
Combined immunodeficiency due to OX40 deficiency. Also called: Immunodeficiency 16; OX40 DEFICIENCY. Identifiers: Orphanet 431149, MedGen C3810053, MONDO:0014268, OMIM 615593.

Submission:

Labcorp Genetics (formerly Invitae), Labcorp
Classification: Uncertain significance for Combined immunodeficiency due to OX40 deficiency. Last evaluated: 2025-02-20. Review status: criteria provided, single submitter. Criteria: Invitae Variant Classification Sherloc (09022015). Collection method: clinical testing. Allele origin: germline.
Comment: This sequence change replaces valine, which is neutral and non-polar, with phenylalanine, which is neutral and non-polar, at codon 106 of the TNFRSF4 protein (p.Val106Phe). This variant is present in population databases (rs745432631, gnomAD 0.003%). This variant has not been reported in the literature in individuals affected with TNFRSF4-related conditions. Invitae Evidence Modeling of protein sequence and biophysical properties (such as structural, functional, and spatial information, amino acid conservation, physicochemical variation, residue mobility, and thermodynamic stability) indicates that this missense variant is expected to disrupt TNFRSF4 protein function with a positive predictive value of 80%. In summary, the available evidence is currently insufficient to determine the role of this variant in disease. Therefore, it has been classified as a Variant of Uncertain Significance.